The following is an entry in ClinVar:

NM_001378120.1(MBD5):c.438A>C (p.Arg146Ser)

Gene: MBD5 (methyl-CpG binding domain protein 5; plus strand). Cytogenetic location: 2q23.1.
Variant type: single nucleotide variant.
Coding change: c.438A>C on transcript NM_001378120.1 (MANE Select); coding-DNA position 438, A replaced by C.
Protein change: p.Arg146Ser; replaces arginine 146 with serine.
Molecular consequence: missense variant.
Genome position (GRCh38, 1-based): chr2:148,468,381, A>C. VCF-style: chr2-148468381-A-C. GRCh37 (hg19) VCF-style: chr2-149225950-A-C.
Other names: c.438A>C, p.Arg146Ser (NM_001438854.1, NM_001438855.1, NM_001438856.1 and 7 more transcripts); short protein forms R146S.
Identifiers: ClinVar variation 4737120 (VCV004737120.1).

ClinVar aggregate classification (germline): Uncertain significance (1 of 4 stars; one submission).

Conditions:
Intellectual developmental disorder, autosomal dominant 1. Also called: MBD5 Haploinsufficiency; Intellectual disability, autosomal dominant 1. Identifiers: Orphanet 228402, MedGen C1969562, MONDO:0007974, OMIM 156200.

Submission:

Labcorp Genetics (formerly Invitae), Labcorp
Classification: Uncertain significance for Intellectual developmental disorder, autosomal dominant 1. Last evaluated: 2025-09-15. Review status: criteria provided, single submitter. Criteria: Invitae Variant Classification Sherloc (09022015). Collection method: clinical testing. Allele origin: germline.
Comment: This sequence change replaces arginine, which is basic and polar, with serine, which is neutral and polar, at codon 146 of the MBD5 protein (p.Arg146Ser). This variant is not present in population databases (gnomAD no frequency). This variant has not been reported in the literature in individuals affected with MBD5-related conditions. Invitae Evidence Modeling of protein sequence and biophysical properties (such as structural, functional, and spatial information, amino acid conservation, physicochemical variation, residue mobility, and thermodynamic stability) indicates that this missense variant is not expected to disrupt MBD5 protein function with a negative predictive value of 80%. In summary, the available evidence is currently insufficient to determine the role of this variant in disease. Therefore, it has been classified as a Variant of Uncertain Significance.